The following is an entry in ClinVar:

NM_015915.5(ATL1):c.1314C>G (p.Ser438Arg)

Gene: ATL1 (atlastin GTPase 1; plus strand). Cytogenetic location: 14q22.1.
Variant type: single nucleotide variant.
Coding change: c.1314C>G on transcript NM_015915.5 (MANE Select); coding-DNA position 1314, C replaced by G.
Protein change: p.Ser438Arg; replaces serine 438 with arginine.
Molecular consequence: missense variant.
Genome position (GRCh38, 1-based): chr14:50,628,225, C>G. VCF-style: chr14-50628225-C-G. GRCh37 (hg19) VCF-style: chr14-51094943-C-G.
Other names: c.1314C>G, p.Ser438Arg (NM_001127713.1, NM_181598.4); short protein forms S438R.
Identifiers: ClinVar variation 972071 (VCV000972071.11), dbSNP rs541087955, ClinGen allele CA389676019.

ClinVar aggregate classification (germline): Uncertain significance. Review status: criteria provided, multiple submitters, no conflicts (2 of 4 stars). 2 submissions from 2 submitters: Uncertain significance (2). Last evaluated 2026-03-31.

Conditions:
Hereditary spastic paraplegia 3A (SPG3A). Also called: SPASTIC PARAPLEGIA 3, AUTOSOMAL DOMINANT; FAMILIAL SPASTIC PARAPLEGIA, AUTOSOMAL DOMINANT, 1; SPG3; STRUMPELL DISEASE; Spastic Paraplegia 3A; Spastic paraplegia 3A, autosomal dominant. Identifiers: Orphanet 100984, MedGen C2931355, MONDO:0008437, OMIM 182600.

Allele frequency attached by ClinVar (database versions not stated): gnomAD exomes below 0.00001.
gnomAD v4.1: 2 of 1,614,130 alleles (0.00012%); highest among the groups gnomAD compares: Non-Finnish European, 0.00017%; no homozygotes.

Submissions (2):

GeneDx
Classification: Uncertain significance. Last evaluated: 2026-03-31. Review status: criteria provided, single submitter. Criteria: GeneDx Variant Classification Process June 2021. Collection method: clinical testing. Allele origin: germline.
Comment: Not observed at significant frequency in large population cohorts (gnomAD); In silico analysis supports that this missense variant has a deleterious effect on protein structure/function; Has not been previously published as pathogenic or benign to our knowledge; This variant is associated with the following publications: (PMID: 23334294)

Labcorp Genetics (formerly Invitae), Labcorp
Classification: Uncertain significance for Hereditary spastic paraplegia 3A. Last evaluated: 2025-09-05. Review status: criteria provided, single submitter. Criteria: Invitae Variant Classification Sherloc (09022015). Collection method: clinical testing. Allele origin: germline.
Comment: This sequence change replaces serine, which is neutral and polar, with arginine, which is basic and polar, at codon 438 of the ATL1 protein (p.Ser438Arg). This variant is not present in population databases (gnomAD no frequency). This missense change has been observed in individuals with clinical features of autosomal dominant hereditary spastic paraplegia (internal data). It has also been observed to segregate with disease in related individuals. ClinVar contains an entry for this variant (Variation ID: 972071). Invitae Evidence Modeling of protein sequence and biophysical properties (such as structural, functional, and spatial information, amino acid conservation, physicochemical variation, residue mobility, and thermodynamic stability) has been performed for this missense variant. However, the output from this modeling did not meet the statistical confidence thresholds required to predict the impact of this variant on ATL1 protein function. In summary, the available evidence is currently insufficient to determine the role of this variant in disease. Therefore, it has been classified as a Variant of Uncertain Significance.